The following is an entry in ClinVar:

ClinVar aggregate classification (germline): Uncertain significance (1 of 4 stars; one submission).

Submission:

Labcorp Genetics (formerly Invitae), Labcorp
Classification: Uncertain significance. Last evaluated: 2024-02-27. Review status: criteria provided, single submitter. Criteria: Invitae Variant Classification Sherloc (09022015). Collection method: clinical testing. Allele origin: germline.
Comment: This sequence change replaces threonine, which is neutral and polar, with serine, which is neutral and polar, at codon 319 of the TFRC protein (p.Thr319Ser). This variant is not present in population databases (gnomAD no frequency). This variant has not been reported in the literature in individuals affected with TFRC-related conditions. Advanced modeling of protein sequence and biophysical properties (such as structural, functional, and spatial information, amino acid conservation, physicochemical variation, residue mobility, and thermodynamic stability) performed at Invitae indicates that this missense variant is expected to disrupt TFRC protein function with a positive predictive value of 80%. In summary, the available evidence is currently insufficient to determine the role of this variant in disease. Therefore, it has been classified as a Variant of Uncertain Significance.

NM_001128148.3(TFRC):c.956C>G (p.Thr319Ser)

Gene: TFRC (transferrin receptor; minus strand). Cytogenetic location: 3q29.
Variant type: single nucleotide variant.
Coding change: c.956C>G on transcript NM_001128148.3 (MANE Select); coding-DNA position 956, C replaced by G.
Protein change: p.Thr319Ser; replaces threonine 319 with serine.
Molecular consequence: missense variant.
Genome position (GRCh38, 1-based): chr3:196,067,602, G>C on the plus strand (C>G on the coding strand, the complement: TFRC is on the minus strand). VCF-style: chr3-196067602-G-C. GRCh37 (hg19) VCF-style: chr3-195794473-G-C.
Other names: c.713C>G, p.Thr238Ser (NM_001313965.2); c.110C>G, p.Thr37Ser (NM_001313966.2); c.956C>G, p.Thr319Ser (NM_003234.4); short protein forms T238S, T319S, T37S.
Identifiers: ClinVar variation 3677556 (VCV003677556.2).